The following is an entry in ClinVar:

NM_001040716.2(PC):c.1613C>T (p.Pro538Leu)

Gene: PC (pyruvate carboxylase; minus strand). Cytogenetic location: 11q13.2.
Variant type: single nucleotide variant.
Coding change: c.1613C>T on transcript NM_001040716.2 (MANE Select); coding-DNA position 1613, C replaced by T.
Protein change: p.Pro538Leu; replaces proline 538 with leucine.
Molecular consequence: missense variant.
Genome position (GRCh38, 1-based): chr11:66,852,651, G>A on the plus strand (C>T on the coding strand, the complement: PC is on the minus strand). VCF-style: chr11-66852651-G-A. GRCh37 (hg19) VCF-style: chr11-66620122-G-A.
Other names: c.1613C>T, p.Pro538Leu (NM_000920.4, NM_022172.3); short protein forms P538L.
Identifiers: ClinVar variation 1303613 (VCV001303613.5), dbSNP rs151174961, ClinGen allele CA6131307.
Genomic context (GRCh38, chr11:66,852,651, plus strand): 5'-CGCACAGCTCGAGCAAAGCCCTCAGGCCCCTCTCGCAGCAGGATGTCTCTGAAACCAGCC[G>A]GGGGCGGGCCTAGGGTAGACAGGGGCATTGGTGCCCATCCTGCAGGTGGCAACCTCCTGT-3'
Protein context (NP_001035806.1, residues 528-548): VVPAVPIGPP[Pro538Leu]AGFRDILLRE

ClinVar aggregate classification (germline): Uncertain significance. Review status: criteria provided, multiple submitters, no conflicts (2 of 4 stars). 4 submissions from 4 submitters: Uncertain significance (4). Last evaluated 2025-08-29.

Conditions:
Inborn genetic diseases. Identifiers: MedGen C0950123, MeSH D030342.
Pyruvate carboxylase deficiency. Also called: LEIGH NECROTIZING ENCEPHALOPATHY DUE TO PYRUVATE CARBOXYLASE DEFICIENCY; LEIGH SYNDROME DUE TO PYRUVATE CARBOXYLASE DEFICIENCY; ATAXIA WITH LACTIC ACIDOSIS II; PC DEFICIENCY; Pyruvate Carboxylase Deficiency Disease. Identifiers: Orphanet 3008, MedGen C0034341, MONDO:0009949, OMIM 266150.

Allele frequency attached by ClinVar (database versions not stated): gnomAD 0.00001; ExAC 0.00003; gnomAD exomes 0.00003; TOPMed 0.00003; ESP Exome Variant Server 0.00015.
gnomAD v4.1: 45 of 1,613,468 alleles (0.0028%); highest among the groups gnomAD compares: Admixed American, 0.0033%; no homozygotes.

Submissions (4):

Ambry Genetics
Classification: Uncertain significance for Inborn genetic diseases. Last evaluated: 2025-08-29. Review status: criteria provided, single submitter. Criteria: Ambry Variant Classification Scheme 2023. Collection method: clinical testing. Allele origin: germline.

Labcorp Genetics (formerly Invitae), Labcorp
Classification: Uncertain significance for Pyruvate carboxylase deficiency. Last evaluated: 2022-11-01. Review status: criteria provided, single submitter. Criteria: Invitae Variant Classification Sherloc (09022015). Collection method: clinical testing. Allele origin: germline.
Comment: This sequence change replaces proline, which is neutral and non-polar, with leucine, which is neutral and non-polar, at codon 538 of the PC protein (p.Pro538Leu). This variant is present in population databases (rs151174961, gnomAD 0.005%). This variant has not been reported in the literature in individuals affected with PC-related conditions. ClinVar contains an entry for this variant (Variation ID: 1303613). Advanced modeling of protein sequence and biophysical properties (such as structural, functional, and spatial information, amino acid conservation, physicochemical variation, residue mobility, and thermodynamic stability) has been performed at Invitae for this missense variant, however the output from this modeling did not meet the statistical confidence thresholds required to predict the impact of this variant on PC protein function. In summary, the available evidence is currently insufficient to determine the role of this variant in disease. Therefore, it has been classified as a Variant of Uncertain Significance.

GeneDx
Classification: Uncertain significance. Last evaluated: 2019-07-17. Review status: criteria provided, single submitter. Criteria: GeneDx Variant Classification Process June 2021. Collection method: clinical testing. Allele origin: germline. Affected: yes.
Comment: Not observed at a significant frequency in large population cohorts (Lek et al., 2016); In silico analysis, which includes protein predictors and evolutionary conservation, supports a deleterious effect; Has not been previously published as pathogenic or benign to our knowledge

Breakthrough Genomics
Classification: Uncertain significance. Review status: criteria provided, single submitter. Criteria: ACMG Guidelines, 2015. Collection method: not provided. Allele origin: germline. Inheritance: Autosomal recessive inheritance. Affected: yes.